The following is an entry in ClinVar:

ClinVar aggregate classification (germline): Uncertain significance (1 of 4 stars; one submission).

Conditions:
Agammaglobulinemia 2, autosomal recessive (AGM2). Also called: AGAMMAGLOBULINEMIA, AUTOSOMAL RECESSIVE, DUE TO IGLL1 DEFECT. Identifiers: MedGen C3150750, MONDO:0013287, OMIM 613500.

Allele frequency attached by ClinVar (database versions not stated): gnomAD exomes 0.00002 and 0.00004; TOPMed 0.00002; ExAC 0.00003.
gnomAD v4.1: 10 of 1,614,140 alleles (0.00062%); highest among the groups gnomAD compares: Admixed American, 0.017%; no homozygotes.

Submission:

Labcorp Genetics (formerly Invitae), Labcorp
Classification: Uncertain significance for Agammaglobulinemia 2, autosomal recessive. Last evaluated: 2025-12-20. Review status: criteria provided, single submitter. Criteria: Invitae Variant Classification Sherloc (09022015). Collection method: clinical testing. Allele origin: germline.
Comment: This sequence change replaces serine, which is neutral and polar, with asparagine, which is neutral and polar, at codon 176 of the IGLL1 protein (p.Ser176Asn). This variant is present in population databases (rs765426613, gnomAD 0.03%). This variant has not been reported in the literature in individuals affected with IGLL1-related conditions. ClinVar contains an entry for this variant (Variation ID: 664919). An algorithm developed to predict the effect of missense changes on protein structure and function (PolyPhen-2) suggests that this variant is likely to be tolerated. In summary, the available evidence is currently insufficient to determine the role of this variant in disease. Therefore, it has been classified as a Variant of Uncertain Significance.

NM_020070.4(IGLL1):c.527G>A (p.Ser176Asn)

Gene: IGLL1 (immunoglobulin lambda like polypeptide 1; minus strand). Cytogenetic location: 22q11.23.
Variant type: single nucleotide variant.
Coding change: c.527G>A on transcript NM_020070.4 (MANE Select); coding-DNA position 527, G replaced by A.
Protein change: p.Ser176Asn; replaces serine 176 with asparagine.
Molecular consequence: missense variant. On other transcripts: 3 prime UTR variant (1).
Genome position (GRCh38, 1-based): chr22:23,573,381, C>T on the plus strand (G>A on the coding strand, the complement: IGLL1 is on the minus strand). VCF-style: chr22-23573381-C-T. GRCh37 (hg19) VCF-style: chr22-23915568-C-T.
Other names: c.530G>A, p.Ser177Asn (NM_001369906.1); c.*156G>A (NM_152855.3); short protein forms S176N, S177N.
Identifiers: ClinVar variation 664919 (VCV000664919.10), dbSNP rs765426613, ClinGen allele CA10143239.